The following is an entry in ClinVar:

ClinVar aggregate classification (germline): Uncertain significance (1 of 4 stars; one submission).

Submission:

Labcorp Genetics (formerly Invitae), Labcorp
Classification: Uncertain significance. Last evaluated: 2021-05-03. Review status: criteria provided, single submitter. Criteria: Invitae Variant Classification Sherloc (09022015). Collection method: clinical testing. Allele origin: germline.
Comment: In summary, the available evidence is currently insufficient to determine the role of this variant in disease. Therefore, it has been classified as a Variant of Uncertain Significance. Algorithms developed to predict the effect of missense changes on protein structure and function are either unavailable or do not agree on the potential impact of this missense change (SIFT: "Deleterious"; PolyPhen-2: "Probably Damaging"; Align-GVGD: "Class C0"). This variant has not been reported in the literature in individuals with CNOT1-related conditions. This variant is not present in population databases (ExAC no frequency). This sequence change replaces alanine with threonine at codon 1506 of the CNOT1 protein (p.Ala1506Thr). The alanine residue is moderately conserved and there is a small physicochemical difference between alanine and threonine.

NM_016284.5(CNOT1):c.4531G>A (p.Ala1511Thr)

Gene: CNOT1 (CCR4-NOT transcription complex subunit 1; minus strand). Cytogenetic location: 16q21.
Variant type: single nucleotide variant.
Coding change: c.4531G>A on transcript NM_016284.5 (MANE Select); coding-DNA position 4531, G replaced by A.
Protein change: p.Ala1511Thr; replaces alanine 1511 with threonine.
Molecular consequence: missense variant. On other transcripts: non-coding transcript variant (1).
Genome position (GRCh38, 1-based): chr16:58,542,472, C>T on the plus strand (G>A on the coding strand, the complement: CNOT1 is on the minus strand). VCF-style: chr16-58542472-C-T. GRCh37 (hg19) VCF-style: chr16-58576376-C-T.
Other names: c.4516G>A, p.Ala1506Thr (NM_001265612.2); short protein forms A1506T, A1511T.
Identifiers: ClinVar variation 1477435 (VCV001477435.6), dbSNP rs2151916521, ClinGen allele CA396168825.
Genomic context (GRCh38, chr16:58,542,472, plus strand): 5'-AATTCTAAACACTTACAGTTGCTAATCTCTTGTCCATCTCAGGGCCTGCTTTTTCTACTG[C>T]AGTCTTCTGAATAAAACAGCAAGCCAACTCACAATTGTCCTGAGCTAATTGAGCAGCTGC-3'
Protein context (NP_057368.3, residues 1501-1521): ELACCFIQKT[Ala1511Thr]VEKAGPEMDK